The following is an entry in ClinVar:

ClinVar aggregate classification (germline): Uncertain significance. Review status: criteria provided, multiple submitters, no conflicts (2 of 4 stars). 6 submissions from 6 submitters: Uncertain significance (5). 1 of the submissions does not count toward it. Last evaluated 2024-09-05.

Conditions:
Classic homocystinuria. Also called: HOMOCYSTINURIA WITH OR WITHOUT RESPONSE TO PYRIDOXINE; Homocystinuria due to Cystathionine Beta-Synthase Deficiency; Homocystinuria due to CBS deficiency; Cystathionine beta-synthase deficiency; CBS deficiency. Identifiers: Orphanet 394, MedGen C0751202, MONDO:0009352, OMIM 236200.
HYPERHOMOCYSTEINEMIA, THROMBOTIC, CBS-RELATED. Identifiers: MedGen C3150344, OMIM 236200.
Familial thoracic aortic aneurysm and aortic dissection (TAAD). Also called: Thoracic aortic aneurysms and dissections. Identifiers: Orphanet 91387, MedGen C4707243, MONDO:0019625.

Allele frequency attached by ClinVar (database versions not stated): gnomAD exomes 0.00005; ExAC 0.00007.

Submissions (6):

Mayo Clinic Laboratories, Mayo Clinic
Classification: Uncertain significance. Last evaluated: 2024-09-05. Review status: criteria provided, single submitter. Criteria: ACMG Guidelines, 2015. Collection method: clinical testing. Allele origin: germline. Observed: 1 variant allele.

CeGaT Center for Human Genetics Tuebingen
Classification: Uncertain significance. Last evaluated: 2024-03-01. Review status: criteria provided, single submitter. Criteria: CeGaT Center For Human Genetics Tuebingen Variant Classification Criteria Version 2. Collection method: clinical testing. Allele origin: germline. Affected: yes. Observed: 1 variant allele.
Comment: CBS: PM2, BP4

Labcorp Genetics (formerly Invitae), Labcorp
Classification: Uncertain significance for HYPERHOMOCYSTEINEMIA, THROMBOTIC, CBS-RELATED. Last evaluated: 2024-01-19. Review status: criteria provided, single submitter. Criteria: Invitae Variant Classification Sherloc (09022015). Collection method: clinical testing. Allele origin: germline.
Comment: This sequence change replaces glycine, which is neutral and non-polar, with arginine, which is basic and polar, at codon 522 of the CBS protein (p.Gly522Arg). This variant is present in population databases (rs201916339, gnomAD 0.009%). This variant has not been reported in the literature in individuals affected with CBS-related conditions. ClinVar contains an entry for this variant (Variation ID: 661619). Algorithms developed to predict the effect of missense changes on protein structure and function output the following: SIFT: "Not Available"; PolyPhen-2: "Benign"; Align-GVGD: "Not Available". The arginine amino acid residue is found in multiple mammalian species, which suggests that this missense change does not adversely affect protein function. In summary, the available evidence is currently insufficient to determine the role of this variant in disease. Therefore, it has been classified as a Variant of Uncertain Significance.

Ambry Genetics
Classification: Uncertain significance for Familial thoracic aortic aneurysm and aortic dissection. Last evaluated: 2023-04-16. Review status: criteria provided, single submitter. Criteria: Ambry Variant Classification Scheme 2023. Collection method: clinical testing. Allele origin: germline.
Comment: The p.G522R variant (also known as c.1564G>A), located in coding exon 15 of the CBS gene, results from a G to A substitution at nucleotide position 1564. The glycine at codon 522 is replaced by arginine, an amino acid with dissimilar properties. This amino acid position is conserved. In addition, the in silico prediction for this alteration is inconclusive. Since supporting evidence is limited at this time, the clinical significance of this alteration remains unclear.

Fulgent Genetics
Classification: Uncertain significance for Classic homocystinuria. Last evaluated: 2021-09-29. Review status: criteria provided, single submitter. Criteria: ACMG Guidelines, 2015. Collection method: clinical testing. Allele origin: unknown.

Natera, Inc.
Classification: Uncertain significance for Homocystinuria due to cystathionine beta-synthase deficiency. Last evaluated: 2020-07-16. Review status: no assertion criteria provided. Collection method: clinical testing. Allele origin: germline. Not counted in ClinVar's aggregate classification.

NM_000071.3(CBS):c.1564G>A (p.Gly522Arg)

Gene: CBS (cystathionine beta-synthase; minus strand). Cytogenetic location: 21q22.3.
Variant type: single nucleotide variant.
Coding change: c.1564G>A on transcript NM_000071.3 (MANE Select); coding-DNA position 1564, G replaced by A.
Protein change: p.Gly522Arg; replaces glycine 522 with arginine.
Molecular consequence: missense variant.
Genome position (GRCh38, 1-based): chr21:43,053,972, C>T on the plus strand (G>A on the coding strand, the complement: CBS is on the minus strand). VCF-style: chr21-43053972-C-T. GRCh37 (hg19) VCF-style: chr21-44474082-C-T.
Other names: p.Gly522Arg; c.1564G>A, p.Gly522Arg (NM_001178008.3, NM_001178009.3, NM_001320298.2); c.1249G>A, p.Gly417Arg (NM_001321072.1); short protein forms G417R, G522R.
Identifiers: ClinVar variation 661619 (VCV000661619.34), dbSNP rs201916339, ClinGen allele CA321684767.
Genomic context (GRCh38, chr21:43,053,972, plus strand): 5'-AGTTCAGCAAGTCAATGGCGGTGACCACCCCGAACACCATCTGCCGCTGACTGGACTTCC[C>T]GGTGCTGTGGTCTGAGGGGAGAACGAGGCAGTGGGTTTGCAGGTGCCGTGGGAGGCTGGG-3'
Protein context (NP_000062.1, residues 512-532): VHEQIQYHST[Gly522Arg]KSSQRQMVFG